The following is an entry in ClinVar:

ClinVar aggregate classification (germline): Uncertain significance (1 of 4 stars; one submission).

Conditions:
Inborn genetic diseases. Identifiers: MedGen C0950123, MeSH D030342.

Submission:

Ambry Genetics
Classification: Uncertain significance for Inborn genetic diseases. Last evaluated: 2025-04-06. Review status: criteria provided, single submitter. Criteria: Ambry Variant Classification Scheme 2023. Collection method: clinical testing. Allele origin: germline.
Comment: The p.A1082V variant (also known as c.3245C>T), located in coding exon 1 of the SAMD9L gene, results from a C to T substitution at nucleotide position 3245. The alanine at codon 1082 is replaced by valine, an amino acid with similar properties. This amino acid position is conserved. In addition, this alteration is predicted to be tolerated by in silico analysis. Based on the available evidence, the clinical significance of this variant remains unclear.

NM_152703.5(SAMD9L):c.3245C>T (p.Ala1082Val)

Gene: SAMD9L (sterile alpha motif domain containing 9 like; minus strand). Cytogenetic location: 7q21.2.
Variant type: single nucleotide variant.
Coding change: c.3245C>T on transcript NM_152703.5 (MANE Select); coding-DNA position 3245, C replaced by T.
Protein change: p.Ala1082Val; replaces alanine 1082 with valine.
Molecular consequence: missense variant.
Genome position (GRCh38, 1-based): chr7:93,132,727, G>A on the plus strand (C>T on the coding strand, the complement: SAMD9L is on the minus strand). VCF-style: chr7-93132727-G-A. GRCh37 (hg19) VCF-style: chr7-92762040-G-A.
Other names: c.3245C>T, p.Ala1082Val (NM_001303496.3, NM_001303497.3, NM_001303498.3 and 5 more transcripts); short protein forms A1082V.
Identifiers: ClinVar variation 3949813 (VCV003949813.1).